The following is an entry in ClinVar:

NM_000540.3(RYR1):c.1577-8C>A

Gene: RYR1 (ryanodine receptor 1; plus strand). Cytogenetic location: 19q13.2.
Variant type: single nucleotide variant.
Coding change: c.1577-8C>A on transcript NM_000540.3 (MANE Select); 8 bases into the intron before coding-DNA position 1577, C replaced by A.
Molecular consequence: intron variant.
Genome position (GRCh38, 1-based): chr19:38,455,443, C>A. VCF-style: chr19-38455443-C-A. GRCh37 (hg19) VCF-style: chr19-38946083-C-A.
Other names: c.1577-8C>A (NM_001042723.2).
Identifiers: ClinVar variation 1112765 (VCV001112765.11), dbSNP rs755673252, ClinGen allele CA633065764.

ClinVar aggregate classification (germline): Likely benign. Review status: criteria provided, multiple submitters, no conflicts (2 of 4 stars). 3 submissions from 3 submitters: Likely benign (3). Last evaluated 2024-03-24.

Conditions:
RYR1-related disorder. Also called: RYR1-related condition; RYR1-related disorders. Identifiers: MedGen CN239331.
Malignant hyperthermia, susceptibility to, 1 (MHS1). Also called: RYR1-Related Malignant Hyperthermia Susceptibility; Malignant hyperthermia suceptibility 1; Anesthesia related hyperthermia; Malignant hyperpyrexia; Fulminating hyperpyrexia; Pharmacogenic myopathy. Identifiers: Orphanet 423, MedGen C2930980, MONDO:0007783, OMIM 145600.

Allele frequency attached by ClinVar (database versions not stated): gnomAD 0.00001; TOPMed 0.00001.
gnomAD v4.1: 14 of 1,614,014 alleles (0.00087%); highest among the groups gnomAD compares: Admixed American, 0.005%; no homozygotes.

Submissions (3):

All of Us Research Program, National Institutes of Health
Classification: Likely benign for Malignant hyperthermia, susceptibility to, 1. Last evaluated: 2024-03-24. Review status: criteria provided, single submitter. Criteria: ACMG Guidelines, 2015. Collection method: clinical testing. Allele origin: germline. Inheritance: Autosomal dominant inheritance. Observed: 2 variant alleles, 2 heterozygotes.
Comment: This study involves interpretation of variants in research participants for the purpose of population health screening. Participant phenotype was not available at the time of variant classification. Additional details can be found in publication PMID: 35346344, PMCID: PMC8962531

Color Diagnostics, LLC DBA Color Health
Classification: Likely benign for Malignant hyperthermia, susceptibility to, 1. Last evaluated: 2024-03-21. Review status: criteria provided, single submitter. Criteria: ACMG Guidelines, 2015. Collection method: clinical testing. Allele origin: germline.

Labcorp Genetics (formerly Invitae), Labcorp
Classification: Likely benign for RYR1-related disorder. Last evaluated: 2023-04-25. Review status: criteria provided, single submitter. Criteria: Invitae Variant Classification Sherloc (09022015). Collection method: clinical testing. Allele origin: germline.